The following is an entry in ClinVar:

ClinVar aggregate classification (germline): Uncertain significance. Review status: criteria provided, multiple submitters, no conflicts (2 of 4 stars). 2 submissions from 2 submitters: Uncertain significance (2). Last evaluated 2022-03-15.

Conditions:
Inborn genetic diseases. Identifiers: MedGen C0950123, MeSH D030342.

Allele frequency attached by ClinVar (database versions not stated): ExAC 0.00001; gnomAD exomes 0.00001; gnomAD 0.00003; TOPMed 0.00004; ESP Exome Variant Server 0.00008.

Submissions (2):

Labcorp Genetics (formerly Invitae), Labcorp
Classification: Uncertain significance. Last evaluated: 2022-03-15. Review status: criteria provided, single submitter. Criteria: Invitae Variant Classification Sherloc (09022015). Collection method: clinical testing. Allele origin: germline.
Comment: This sequence change replaces glycine, which is neutral and non-polar, with aspartic acid, which is acidic and polar, at codon 3006 of the DMXL2 protein (p.Gly3006Asp). This variant is present in population databases (rs144285162, gnomAD 0.02%). This variant has not been reported in the literature in individuals affected with DMXL2-related conditions. Algorithms developed to predict the effect of missense changes on protein structure and function output the following: SIFT: "Tolerated"; PolyPhen-2: "Benign"; Align-GVGD: "Class C0". The aspartic acid amino acid residue is found in multiple mammalian species, which suggests that this missense change does not adversely affect protein function. In summary, the available evidence is currently insufficient to determine the role of this variant in disease. Therefore, it has been classified as a Variant of Uncertain Significance.

Ambry Genetics
Classification: Uncertain significance for Inborn genetic diseases. Last evaluated: 2021-07-16. Review status: criteria provided, single submitter. Criteria: Ambry Variant Classification Scheme 2023. Collection method: clinical testing. Allele origin: germline.

NM_001378457.1(DMXL2):c.9080G>A (p.Gly3027Asp)

Gene: DMXL2 (Dmx like 2; minus strand). Cytogenetic location: 15q21.2.
Variant type: single nucleotide variant.
Coding change: c.9080G>A on transcript NM_001378457.1 (MANE Select); coding-DNA position 9080, G replaced by A.
Protein change: p.Gly3027Asp; replaces glycine 3027 with aspartic acid.
Molecular consequence: missense variant. On other transcripts: non-coding transcript variant (2).
Genome position (GRCh38, 1-based): chr15:51,449,081, C>T on the plus strand (G>A on the coding strand, the complement: DMXL2 is on the minus strand). VCF-style: chr15-51449081-C-T. GRCh37 (hg19) VCF-style: chr15-51741278-C-T.
Other names: c.9017G>A, p.Gly3006Asp (NM_001174116.3); c.7106G>A, p.Gly2369Asp (NM_001174117.3); c.9077G>A, p.Gly3026Asp (NM_001378458.1); c.8792G>A, p.Gly2931Asp (NM_001378459.1); c.6995G>A, p.Gly2332Asp (NM_001378460.1); c.9014G>A, p.Gly3005Asp (NM_015263.5); c.9017G>A (NM_001174116.1); short protein forms G2332D, G3005D, G3026D, G3006D, G3027D, G2931D, G2369D.
Identifiers: ClinVar variation 2182851 (VCV002182851.2), dbSNP rs144285162, ClinGen allele CA7560829.